The following is an entry in ClinVar:

NM_018646.6(TRPV6):c.365C>T (p.Ala122Val)

Gene: TRPV6 (transient receptor potential cation channel subfamily V member 6; minus strand). Cytogenetic location: 7q34.
Variant type: single nucleotide variant.
Coding change: c.365C>T on transcript NM_018646.6 (MANE Select); coding-DNA position 365, C replaced by T.
Protein change: p.Ala122Val; replaces alanine 122 with valine.
Molecular consequence: missense variant.
Genome position (GRCh38, 1-based): chr7:142,877,755, G>A on the plus strand (C>T on the coding strand, the complement: TRPV6 is on the minus strand). VCF-style: chr7-142877755-G-A. GRCh37 (hg19) VCF-style: chr7-142575508-G-A.
Other names: c.245C>T (NM_018646.2); short protein forms A122V.
Identifiers: ClinVar variation 3610908 (VCV003610908.3).
Genomic context (GRCh38, chr7:142,877,755, plus strand): 5'-GCAGCCTCCATCAGCACCATGGCGGCCTCCAGGTTGTCATAGAGGGCTGCTATGTGTAGC[G>A]CTGTTTCCCCCATGGCTCCTGGCATTTACAGAGAGGTGGGTTATATGGCTTCTGTGGGAC-3'
Protein context (NP_061116.5, residues 112-132): VHQRGAMGET[Ala122Val]LHIAALYDNL

ClinVar aggregate classification (germline): Uncertain significance. Review status: criteria provided, multiple submitters, no conflicts (2 of 4 stars). 2 submissions from 2 submitters: Uncertain significance (2). Last evaluated 2025-02-07.

Conditions:
Inborn genetic diseases. Identifiers: MedGen C0950123, MeSH D030342.

gnomAD v4.1: 38 of 1,614,040 alleles (0.0024%); highest among the groups gnomAD compares: Admixed American, 0.005%; no homozygotes.

Submissions (2):

Ambry Genetics
Classification: Uncertain significance for Inborn genetic diseases. Last evaluated: 2025-02-07. Review status: criteria provided, single submitter. Criteria: Ambry Variant Classification Scheme 2023. Collection method: clinical testing. Allele origin: germline.

Labcorp Genetics (formerly Invitae), Labcorp
Classification: Uncertain significance. Last evaluated: 2025-01-17. Review status: criteria provided, single submitter. Criteria: Invitae Variant Classification Sherloc (09022015). Collection method: clinical testing. Allele origin: germline.
Comment: This sequence change replaces alanine, which is neutral and non-polar, with valine, which is neutral and non-polar, at codon 122 of the TRPV6 protein (p.Ala122Val). This variant is present in population databases (rs375523215, gnomAD 0.004%). This variant has not been reported in the literature in individuals affected with TRPV6-related conditions. Experimental studies and prediction algorithms are not available or were not evaluated, and the functional significance of this variant is currently unknown. In summary, the available evidence is currently insufficient to determine the role of this variant in disease. Therefore, it has been classified as a Variant of Uncertain Significance.